The following is an entry in ClinVar:

NM_001257.5(CDH13):c.903C>T (p.Ile301=)

Gene: CDH13 (cadherin 13; plus strand). Cytogenetic location: 16q23.3.
Variant type: single nucleotide variant.
Coding change: c.903C>T on transcript NM_001257.5 (MANE Select); coding-DNA position 903, C replaced by T.
Protein change: p.Ile301=; no amino-acid change (isoleucine 301 retained).
Molecular consequence: synonymous variant.
Genome position (GRCh38, 1-based): chr16:83,486,598, C>T. VCF-style: chr16-83486598-C-T. GRCh37 (hg19) VCF-style: chr16-83520203-C-T.
Other names: c.1044C>T, p.Ile348= (NM_001220488.2); c.786C>T, p.Ile262= (NM_001220489.2); c.141C>T, p.Ile47= (NM_001220490.2).
Identifiers: ClinVar variation 3046746 (VCV003046746.2), dbSNP rs377468582, ClinGen allele CA8196569.
Genomic context (GRCh38, chr16:83,486,598, plus strand): 5'-CCTGCGGTATAATATCCGTCAGCAGACGCCTGACAAGCCATCTCCCAACATGTTCTACAT[C>T]GATCCTGAGAAAGGAGACATTGTCACTGTTGTGTCACCTGCGCTGCTGGACCGAGAGGTG-3'
Protein context (NP_001248.1, residues 291-311): PDKPSPNMFY[Ile301=]DPEKGDIVTV

ClinVar aggregate classification (germline): Likely benign (0 of 4 stars; one submission).

Conditions:
CDH13-related disorder. Also called: CDH13-related condition.

Allele frequency attached by ClinVar (database versions not stated): gnomAD 0.00006; ESP Exome Variant Server 0.00008; ExAC 0.00009; TOPMed 0.00009.
gnomAD v4.1: 196 of 1,613,822 alleles (0.012%); highest among the groups gnomAD compares: Non-Finnish European, 0.016%; no homozygotes.

Submission:

PreventionGenetics, part of Exact Sciences
Classification: Likely benign for CDH13-related condition. Last evaluated: 2019-03-22. Review status: no assertion criteria provided. Collection method: clinical testing. Allele origin: germline.
Comment: This variant is classified as likely benign based on ACMG/AMP sequence variant interpretation guidelines (Richards et al. 2015 PMID: 25741868, with internal and published modifications).